The following is an entry in ClinVar:

NM_018112.3(TMEM38B):c.158C>G (p.Thr53Ser)

Gene: TMEM38B (transmembrane protein 38B; plus strand). Cytogenetic location: 9q31.2.
Variant type: single nucleotide variant.
Coding change: c.158C>G on transcript NM_018112.3 (MANE Select); coding-DNA position 158, C replaced by G.
Protein change: p.Thr53Ser; replaces threonine 53 with serine.
Molecular consequence: missense variant.
Genome position (GRCh38, 1-based): chr9:105,705,642, C>G. VCF-style: chr9-105705642-C-G. GRCh37 (hg19) VCF-style: chr9-108467923-C-G.
Other names: short protein forms T53S.
Identifiers: ClinVar variation 2698585 (VCV002698585.3), dbSNP rs377630880, ClinGen allele CA5170807.

ClinVar aggregate classification (germline): Uncertain significance (1 of 4 stars; one submission).

Allele frequency attached by ClinVar (database versions not stated): TOPMed 0.00002; ExAC 0.00003; gnomAD 0.00003; ESP Exome Variant Server 0.00008.
gnomAD v4.1: 49 of 1,613,910 alleles (0.003%); highest among the groups gnomAD compares: Non-Finnish European, 0.0042%; no homozygotes.

Submission:

Labcorp Genetics (formerly Invitae), Labcorp
Classification: Uncertain significance. Last evaluated: 2023-01-15. Review status: criteria provided, single submitter. Criteria: Invitae Variant Classification Sherloc (09022015). Collection method: clinical testing. Allele origin: germline.
Comment: In summary, the available evidence is currently insufficient to determine the role of this variant in disease. Therefore, it has been classified as a Variant of Uncertain Significance. Algorithms developed to predict the effect of missense changes on protein structure and function output the following: SIFT: "Tolerated"; PolyPhen-2: "Benign"; Align-GVGD: "Class C0". The serine amino acid residue is found in multiple mammalian species, which suggests that this missense change does not adversely affect protein function. This variant has not been reported in the literature in individuals affected with TMEM38B-related conditions. This variant is present in population databases (rs377630880, gnomAD 0.006%). This sequence change replaces threonine, which is neutral and polar, with serine, which is neutral and polar, at codon 53 of the TMEM38B protein (p.Thr53Ser).